The following is an entry in ClinVar:

NM_017617.5(NOTCH1):c.197C>T (p.Thr66Ile)

Gene: NOTCH1 (notch receptor 1; minus strand). Cytogenetic location: 9q34.3.
Variant type: single nucleotide variant.
Coding change: c.197C>T on transcript NM_017617.5 (MANE Select); coding-DNA position 197, C replaced by T.
Protein change: p.Thr66Ile; replaces threonine 66 with isoleucine.
Molecular consequence: missense variant.
Genome position (GRCh38, 1-based): chr9:136,523,923, G>A on the plus strand (C>T on the coding strand, the complement: NOTCH1 is on the minus strand). VCF-style: chr9-136523923-G-A. GRCh37 (hg19) VCF-style: chr9-139418375-G-A.
Other names: c.197C>T, p.Thr66Ile (LRG_1122t1); c.197C>T (NM_017617.4); short protein forms T66I.
Identifiers: ClinVar variation 515575 (VCV000515575.10), dbSNP rs752133245, ClinGen allele CA5342230.

ClinVar aggregate classification (germline): Benign/Likely benign. Review status: criteria provided, multiple submitters, no conflicts (2 of 4 stars). 4 submissions from 4 submitters: Benign (1); Likely benign (2). 1 of the submissions does not count toward it. Last evaluated 2026-08-01.

Conditions:
Adams-Oliver syndrome 5 (AOS5). Identifiers: Orphanet 974, MedGen C4014970, MONDO:0014459, OMIM 616028.
NOTCH1-related disorder. Also called: NOTCH1-related disorders; NOTCH1-related condition.

Allele frequency attached by ClinVar (database versions not stated): gnomAD 0.00001; TOPMed 0.00002; gnomAD exomes 0.00018; ExAC 0.00023.
gnomAD v4.1: 66 of 1,595,996 alleles (0.0041%); highest among the groups gnomAD compares: South Asian, 0.048%; no homozygotes.

Submissions (4):

CeGaT Center for Human Genetics Tuebingen
Classification: Likely benign. Last evaluated: 2026-08-01. Review status: criteria provided, single submitter. Criteria: CeGaT Center For Human Genetics Tuebingen Variant Classification Criteria Version 2. Collection method: clinical testing. Allele origin: germline. Affected: yes. Observed: 1 variant allele.
Comment: NOTCH1: BP4

Labcorp Genetics (formerly Invitae), Labcorp
Classification: Benign for Adams-Oliver syndrome 5. Last evaluated: 2026-01-07. Review status: criteria provided, single submitter. Criteria: Invitae Variant Classification Sherloc (09022015). Collection method: clinical testing. Allele origin: germline.

GeneDx
Classification: Likely benign. Last evaluated: 2020-11-27. Review status: criteria provided, single submitter. Criteria: GeneDx Variant Classification Process June 2021. Collection method: clinical testing. Allele origin: germline. Affected: yes.

PreventionGenetics, part of Exact Sciences
Classification: Likely benign for NOTCH1-related condition. Last evaluated: 2022-11-08. Review status: no assertion criteria provided. Collection method: clinical testing. Allele origin: germline. Not counted in ClinVar's aggregate classification.
Comment: This variant is classified as likely benign based on ACMG/AMP sequence variant interpretation guidelines (Richards et al. 2015 PMID: 25741868, with internal and published modifications).